The following is an entry in ClinVar:

ClinVar aggregate classification (germline): Uncertain significance. Review status: criteria provided, multiple submitters, no conflicts (2 of 4 stars). 2 submissions from 2 submitters: Uncertain significance (2). Last evaluated 2022-06-05.

Conditions:
Hereditary spastic paraplegia. Also called: Familial spastic paraparesis. Identifiers: Orphanet 685, MedGen C0037773, MONDO:0019064. Disease mechanism: loss of function.
Hereditary spastic paraplegia 39 (SPG39). Also called: SPASTIC PARAPLEGIA 39, AUTOSOMAL RECESSIVE; Spastic Paraplegia Type 39 (SPG39). Identifiers: Orphanet 139480, MedGen C2677586, MONDO:0012787, OMIM 612020.

Allele frequency attached by ClinVar (database versions not stated): gnomAD exomes 0.00001 and 0.00005; TOPMed 0.00001; ExAC 0.00002.

Submissions (2):

Labcorp Genetics (formerly Invitae), Labcorp
Classification: Uncertain significance for Hereditary spastic paraplegia 39. Last evaluated: 2022-06-05. Review status: criteria provided, single submitter. Criteria: Invitae Variant Classification Sherloc (09022015). Collection method: clinical testing. Allele origin: germline.
Comment: This sequence change replaces threonine, which is neutral and polar, with methionine, which is neutral and non-polar, at codon 752 of the PNPLA6 protein (p.Thr752Met). This variant is present in population databases (rs753592836, gnomAD 0.002%). This variant has not been reported in the literature in individuals affected with PNPLA6-related conditions. ClinVar contains an entry for this variant (Variation ID: 1344472). Algorithms developed to predict the effect of missense changes on protein structure and function output the following: SIFT: "Deleterious"; PolyPhen-2: "Benign"; Align-GVGD: "Class C0". The methionine amino acid residue is found in multiple mammalian species, which suggests that this missense change does not adversely affect protein function. In summary, the available evidence is currently insufficient to determine the role of this variant in disease. Therefore, it has been classified as a Variant of Uncertain Significance.

Genome Diagnostics Laboratory, The Hospital for Sick Children
Classification: Uncertain significance for Hereditary spastic paraplegia. Last evaluated: 2021-10-05. Review status: criteria provided, single submitter. Criteria: ACMG Guidelines, 2015. Collection method: clinical testing. Allele origin: germline. Affected: yes.

NM_001166114.2(PNPLA6):c.2369C>T (p.Thr790Met)

Gene: PNPLA6 (patatin like domain 6, lysophospholipase; plus strand). Cytogenetic location: 19p13.2.
Variant type: single nucleotide variant.
Coding change: c.2369C>T on transcript NM_001166114.2 (MANE Select); coding-DNA position 2369, C replaced by T.
Protein change: p.Thr790Met; replaces threonine 790 with methionine.
Molecular consequence: missense variant.
Genome position (GRCh38, 1-based): chr19:7,553,983, C>T. VCF-style: chr19-7553983-C-T. GRCh37 (hg19) VCF-style: chr19-7618869-C-T.
Other names: c.2399C>T, p.Thr800Met (NM_001166111.2); c.2174C>T, p.Thr725Met (NM_001166112.2); c.2255C>T, p.Thr752Met (NM_001166113.1, NM_006702.5); short protein forms T725M, T752M, T790M, T800M.
Identifiers: ClinVar variation 1344472 (VCV001344472.6), dbSNP rs753592836, ClinGen allele CA9140066.
Genomic context (GRCh38, chr19:7,553,983, plus strand): 5'-GCAACCTGGCAACTGTGGCAATCCTGCCTGTGTGTGCTGAGGTCCCCATGGTGGCCTTCA[C>T]GCTGGAGCTGCAGCACGCCCTGCAGGCCATCGGTCAGTGGGGTGAGGGTCATGGGTGGGG-3'
Protein context (NP_001159586.1, residues 780-800): VCAEVPMVAF[Thr790Met]LELQHALQAI